The following is an entry in ClinVar:

ClinVar aggregate classification (germline): Pathogenic. Review status: criteria provided, multiple submitters, no conflicts (2 of 4 stars). 5 submissions from 5 submitters: Pathogenic (3). 2 of the submissions do not count toward it. Last evaluated 2025-08-19.

Conditions:
Primary hyperoxaluria, type II (HP2). Also called: GLYCERIC ACIDURIA; GLYOXYLATE REDUCTASE/HYDROXYPYRUVATE REDUCTASE DEFICIENCY; Primary hyperoxaluria type 2; OXALOSIS II; D-GLYCERATE DEHYDROGENASE DEFICIENCY. Identifiers: Orphanet 416, Orphanet 93599, MedGen C0268165, MONDO:0009824, OMIM 260000. Disease mechanism: loss of function.

Allele frequency attached by ClinVar (database versions not stated): gnomAD exomes 0.00001.
gnomAD v4.1: 7 of 1,613,136 alleles (0.00043%); highest among the groups gnomAD compares: Non-Finnish European, 0.00059%; no homozygotes.

Submissions (5):

Myriad Genetics, Inc.
Classification: Pathogenic for Primary hyperoxaluria, type II. Last evaluated: 2025-08-19. Review status: criteria provided, single submitter. Criteria: Myriad Autosomal Dominant, Autosomal Recessive and X-Linked Classification Criteria (2023). Collection method: clinical testing. Allele origin: unknown.
Comment: NM_012203.1(GRHPR):c.84-2A>G is a variant in a canonical splice site classified as pathogenic in the context of primary hyperoxaluria type 2. c.84-2A>G has been observed in cases with relevant disease (PMID: 14635115). Relevant functional assessments of this variant are available in the literature (PMID: 14635115). c.84-2A>G has not been observed in referenced population frequency databases. In summary, NM_012203.1(GRHPR):c.84-2A>G is a variant in a canonical splice site that has been observed more frequently in cases with the relevant disease than in healthy populations. Please note: this variant was assessed in the context of healthy population screening.

Labcorp Genetics (formerly Invitae), Labcorp
Classification: Pathogenic. Last evaluated: 2024-02-08. Review status: criteria provided, single submitter. Criteria: Invitae Variant Classification Sherloc (09022015). Collection method: clinical testing. Allele origin: germline.
Comment: This sequence change affects an acceptor splice site in intron 1 of the GRHPR gene. It is expected to disrupt RNA splicing. Variants that disrupt the donor or acceptor splice site typically lead to a loss of protein function (PMID: 16199547), and loss-of-function variants in GRHPR are known to be pathogenic (PMID: 25644115). This variant is not present in population databases (gnomAD no frequency). Disruption of this splice site has been observed in individual(s) with primary hyperoxaluria type 2 (PMID: 14635115). ClinVar contains an entry for this variant (Variation ID: 204241). Algorithms developed to predict the effect of sequence changes on RNA splicing suggest that this variant may disrupt the consensus splice site. For these reasons, this variant has been classified as Pathogenic.

Women's Health and Genetics/Laboratory Corporation of America, LabCorp
Classification: Pathogenic for Primary hyperoxaluria, type II. Last evaluated: 2017-09-25. Review status: criteria provided, single submitter. Criteria: LabCorp Variant Classification Summary - May 2015. Collection method: clinical testing. Allele origin: germline.
Comment: Variant summary: The GRHPR c.84-2A>G variant involves the alteration of a conserved intronic nucleotide within the splice acceptor site of intron 1. One in silico tool predicts a damaging outcome for this variant. 5/5 splice prediction tools predict a significant impact on normal splicing. One functional study found that this variant is affecting splicing causing exon 2 skipping and negligible catalytic and immunoreactivity in the liver biopsy of a primary hyperoxaluria type 2 (PH2) patient (Cregeen_2003). The variant was not found in the control population dataset of gnomAD in 273564 control chromosomes and was reported in two PH2 patients in the literature (Cregeen_2003). In addition, multiple clinical diagnostic laboratories/reputable databases classified this variant as pathogenic. Taken together, this variant is classified as pathogenic.

Counsyl
Classification: Pathogenic for Primary hyperoxaluria, type II. Last evaluated: 2016-12-28. Review status: no assertion criteria provided. Collection method: clinical testing. Allele origin: unknown. Not counted in ClinVar's aggregate classification.

Clinical Biochemistry Laboratory, Health Services Laboratory
Classification: Pathogenic for Primary hyperoxaluria, type II. Last evaluated: 2014-11-27. Review status: no assertion criteria provided. Collection method: research. Allele origin: germline. Affected: yes. Not counted in ClinVar's aggregate classification.
Comment: Liver mRNA shows exon skipping.

Literature cited by the submitters: PubMed 14635115 (cited by 4 submitters); PubMed 16199547 (cited by Labcorp Genetics (formerly Invitae), Labcorp); PubMed 25644115 (cited by Labcorp Genetics (formerly Invitae), Labcorp); PubMed 24116921 (cited by Women's Health and Genetics/Laboratory Corporation of America, LabCorp); PubMed 25525159 (cited by Women's Health and Genetics/Laboratory Corporation of America, LabCorp).

NM_012203.2(GRHPR):c.84-2A>G

Gene: GRHPR (glyoxylate and hydroxypyruvate reductase; plus strand). Cytogenetic location: 9p13.2.
Variant type: single nucleotide variant.
Coding change: c.84-2A>G on transcript NM_012203.2 (MANE Select); the canonical splice acceptor site of the intron before coding-DNA position 84, A replaced by G.
Molecular consequence: splice acceptor variant.
Genome position (GRCh38, 1-based): chr9:37,424,843, A>G. VCF-style: chr9-37424843-A-G. GRCh37 (hg19) VCF-style: chr9-37424840-A-G.
Identifiers: ClinVar variation 204241 (VCV000204241.11), dbSNP rs180177319, ClinGen allele CA275903.